The following is an entry in ClinVar:

NM_000052.7(ATP7A):c.3434C>T (p.Ala1145Val)

Gene: ATP7A (ATPase copper transporting alpha; plus strand). Cytogenetic location: Xq21.1.
Variant type: single nucleotide variant.
Coding change: c.3434C>T on transcript NM_000052.7 (MANE Select); coding-DNA position 3434, C replaced by T.
Protein change: p.Ala1145Val; replaces alanine 1145 with valine.
Molecular consequence: missense variant. On other transcripts: non-coding transcript variant (1).
Genome position (GRCh38, 1-based): chrX:78,033,744, C>T. VCF-style: chrX-78033744-C-T. GRCh37 (hg19) VCF-style: chrX-77289242-C-T.
Other names: c.3200C>T, p.Ala1067Val (NM_001282224.2); short protein forms A1145V, A1067V.
Identifiers: ClinVar variation 423206 (VCV000423206.26), dbSNP rs374154862, ClinGen allele CA10459415.

ClinVar aggregate classification (germline): Benign/Likely benign. Review status: criteria provided, multiple submitters, no conflicts (2 of 4 stars). 4 submissions from 4 submitters: Benign (1); Likely benign (3). Last evaluated 2025-02-25.

Conditions:
Inborn genetic diseases. Identifiers: MedGen C0950123, MeSH D030342.
Menkes kinky-hair syndrome (MNK). Also called: Copper transport disease; Menkes Disease; Classic Menkes Disease. Identifiers: Orphanet 565, MedGen C0022716, MONDO:0010651, OMIM 309400.
Cutis laxa, X-linked (OHS). Also called: Occipital horn syndrome; EDS IX. Identifiers: Orphanet 198, MedGen C0268353, MONDO:0010572, OMIM 304150.
X-linked distal spinal muscular atrophy type 3. Also called: SPINAL MUSCULAR ATROPHY, DISTAL, X-LINKED RECESSIVE; NEURONOPATHY, DISTAL HEREDITARY MOTOR, X-LINKED; NEUROPATHY, DISTAL HEREDITARY MOTOR, X-LINKED; ATP7A-Related Distal Motor Neuropathy. Identifiers: Orphanet 139557, MedGen C1845359, MONDO:0010338, OMIM 300489.

Allele frequency attached by ClinVar (database versions not stated): gnomAD 0.00002; gnomAD exomes 0.00002; TOPMed 0.00002; ExAC 0.00003; ESP Exome Variant Server 0.00009.
gnomAD v4.1: 16 of 1,208,799 alleles (0.0013%); highest among the groups gnomAD compares: Non-Finnish European, 0.0017%; no homozygotes.

Submissions (4):

Labcorp Genetics (formerly Invitae), Labcorp
Classification: Benign for X-linked distal spinal muscular atrophy type 3; Cutis laxa, X-linked; Menkes kinky-hair syndrome. Last evaluated: 2025-02-25. Review status: criteria provided, single submitter. Criteria: Invitae Variant Classification Sherloc (09022015). Collection method: clinical testing. Allele origin: germline.

CeGaT Center for Human Genetics Tuebingen
Classification: Likely benign. Last evaluated: 2025-02-01. Review status: criteria provided, single submitter. Criteria: CeGaT Center For Human Genetics Tuebingen Variant Classification Criteria Version 2. Collection method: clinical testing. Allele origin: germline. Affected: yes. Observed: 1 variant allele.
Comment: ATP7A: BS2

GeneDx
Classification: Likely benign. Last evaluated: 2018-04-19. Review status: criteria provided, single submitter. Criteria: GeneDx Variant Classification Process June 2021. Collection method: clinical testing. Allele origin: germline. Affected: yes.

Ambry Genetics
Classification: Likely benign for Inborn genetic diseases. Last evaluated: 2016-10-11. Review status: criteria provided, single submitter. Criteria: Ambry Variant Classification Scheme 2023. Collection method: clinical testing. Allele origin: germline.